The following is an entry in ClinVar:

ClinVar aggregate classification (germline): Uncertain significance. Review status: criteria provided, multiple submitters, no conflicts (2 of 4 stars). 2 submissions from 2 submitters: Uncertain significance (2). Last evaluated 2022-01-06.

Allele frequency attached by ClinVar (database versions not stated): gnomAD exomes below 0.00001.

Submissions (2):

Labcorp Genetics (formerly Invitae), Labcorp
Classification: Uncertain significance. Last evaluated: 2022-01-06. Review status: criteria provided, single submitter. Criteria: Invitae Variant Classification Sherloc (09022015). Collection method: clinical testing. Allele origin: germline.
Comment: In summary, the available evidence is currently insufficient to determine the role of this variant in disease. Therefore, it has been classified as a Variant of Uncertain Significance. Algorithms developed to predict the effect of missense changes on protein structure and function (SIFT, PolyPhen-2, Align-GVGD) all suggest that this variant is likely to be disruptive. This variant has not been reported in the literature in individuals affected with IMPDH1-related conditions. This variant is not present in population databases (gnomAD no frequency). This sequence change replaces isoleucine, which is neutral and non-polar, with threonine, which is neutral and polar, at codon 176 of the IMPDH1 protein (p.Ile176Thr).

Blueprint Genetics
Classification: Uncertain significance. Last evaluated: 2021-06-01. Review status: criteria provided, single submitter. Criteria: ACMG Guidelines, 2015. Collection method: clinical testing. Allele origin: germline.

NM_000883.4(IMPDH1):c.527T>C (p.Ile176Thr)

Gene: IMPDH1 (inosine monophosphate dehydrogenase 1; minus strand). Cytogenetic location: 7q32.1.
Variant type: single nucleotide variant.
Coding change: c.527T>C on transcript NM_000883.4 (MANE Select); coding-DNA position 527, T replaced by C.
Protein change: p.Ile176Thr; replaces isoleucine 176 with threonine.
Molecular consequence: missense variant. On other transcripts: intron variant (1).
Genome position (GRCh38, 1-based): chr7:128,400,869, A>G on the plus strand (T>C on the coding strand, the complement: IMPDH1 is on the minus strand). VCF-style: chr7-128400869-A-G. GRCh37 (hg19) VCF-style: chr7-128040923-A-G.
Other names: c.497T>C, p.Ile166Thr (NM_001102605.2); c.272T>C, p.Ile91Thr (NM_001142573.2, NM_001142574.2); c.428T>C, p.Ile143Thr (NM_001142576.2); c.320T>C, p.Ile107Thr (NM_001304521.2); c.419T>C, p.Ile140Thr (NM_183243.3); c.249+146T>C (NM_001142575.2); short protein forms I107T, I143T, I166T, I176T, I91T, I140T.
Identifiers: ClinVar variation 1385956 (VCV001385956.9), dbSNP rs2116666495, ClinGen allele CA369174186.